The following is an entry in ClinVar:

ClinVar aggregate classification (germline): Pathogenic (1 of 4 stars; one submission).

Submission:

ISCA site 4
Classification: Pathogenic. Last evaluated: 2011-08-12. Review status: criteria provided, single submitter. Criteria: Kaminsky et al. (Genet Med. 2011). Collection method: clinical testing. Allele origin: unknown. Affected: yes. Observed: 1 variant allele.
Comment: Copy number variation identified through the course of routine clinical cytogenomic testing in postnatal populations. Clinical assertions have been curated as described in Kaminsky et al. 2011.

GRCh38/hg38 3q13.2-13.31(chr3:112168829-117393356)x1

Genes: LOLI1 (lncRNA oncogene in liver cancer 1; minus strand), LSAMP (limbic system associated membrane protein; minus strand), LSAMP-AS1 (LSAMP antisense RNA 1; plus strand), MIR4446 (microRNA 4446; plus strand), MIR4447 (microRNA 4447; minus strand) and 124 more. Cytogenetic location: 3q13.2-13.31.
Variant type: copy number loss.
Change: copy number 1 (one copy instead of two) of chr3:112,168,829-117,393,356 (5.22 Mb, GRCh38 coordinates, 1-based), cytogenetic band 3q13.2-13.31.
Identifiers: ClinVar variation 57131 (VCV000057131.1).